The following is an entry in ClinVar:

NM_000540.3(RYR1):c.3784A>G (p.Thr1262Ala)

Gene: RYR1 (ryanodine receptor 1; plus strand). Cytogenetic location: 19q13.2.
Variant type: single nucleotide variant.
Coding change: c.3784A>G on transcript NM_000540.3 (MANE Select); coding-DNA position 3784, A replaced by G.
Protein change: p.Thr1262Ala; replaces threonine 1262 with alanine.
Molecular consequence: missense variant.
Genome position (GRCh38, 1-based): chr19:38,473,395, A>G. VCF-style: chr19-38473395-A-G. GRCh37 (hg19) VCF-style: chr19-38964035-A-G.
Other names: c.3784A>G, p.Thr1262Ala (NM_001042723.2); short protein forms T1262A.
Identifiers: ClinVar variation 3387694 (VCV003387694.1).

ClinVar aggregate classification (germline): Uncertain significance (1 of 4 stars; one submission).

Conditions:
Malignant hyperthermia, susceptibility to, 1 (MHS1). Also called: Anesthesia related hyperthermia; Malignant hyperpyrexia; Fulminating hyperpyrexia; Pharmacogenic myopathy; RYR1-Related Malignant Hyperthermia Susceptibility; Malignant hyperthermia suceptibility 1. Identifiers: Orphanet 423, MedGen C2930980, MONDO:0007783, OMIM 145600.

Submission:

All of Us Research Program, National Institutes of Health
Classification: Uncertain significance for Malignant hyperthermia, susceptibility to, 1. Last evaluated: 2024-04-25. Review status: criteria provided, single submitter. Criteria: ACMG Guidelines, 2015. Collection method: clinical testing. Allele origin: germline. Inheritance: Autosomal dominant inheritance. Observed: 1 variant allele, 1 heterozygote.
Comment: This missense variant replaces threonine with alanine at codon 1262 of the RYR1 protein. Computational prediction suggests that this variant may have deleterious impact on protein structure and function (internally defined REVEL score threshold >= 0.7, PMID: 27666373). To our knowledge, functional studies have not been reported for this variant. This variant has not been reported in individuals affected with RYR1-related disorders in the literature. This variant has not been identified in the general population by the Genome Aggregation Database (gnomAD). The available evidence is insufficient to determine the role of this variant in disease conclusively. Therefore, this variant is classified as a Variant of Uncertain Significance.

This study involves interpretation of variants in research participants for the purpose of population health screening. Participant phenotype was not available at the time of variant classification. Additional details can be found in publication PMID: 35346344, PMCID: PMC8962531